The following is an entry in ClinVar:

ClinVar aggregate classification (germline): Pathogenic/Likely pathogenic. Review status: criteria provided, multiple submitters, no conflicts (2 of 4 stars). 2 submissions from 2 submitters: Pathogenic (1); Likely pathogenic (1). Last evaluated 2024-08-30.

Conditions:
Tooth agenesis, selective, 4 (STHAG4). Also called: LATERAL INCISORS, ABSENCE OF; LATERAL INCISORS, PEGGED OR MISSING; SUCCEDANEOUS TEETH, AGENESIS OF; TOOTH AGENESIS, SELECTIVE, 4, WITH OR WITHOUT ECTODERMAL DYSPLASIA. Identifiers: Orphanet 99798, MedGen C1835492, MONDO:0007881, OMIM 150400. Disease mechanism: loss of function.
Odonto-onycho-dermal dysplasia. Identifiers: Orphanet 2721, MedGen C0796093, MONDO:0009773, OMIM 257980.
Schöpf-Schulz-Passarge syndrome. Also called: ECCRINE TUMORS WITH ECTODERMAL DYSPLASIA; KERATOSIS PALMOPLANTARIS WITH CYSTIC EYELIDS, HYPODONTIA, AND HYPOTRICHOSIS; SchC6pf-Schulz-Passarge syndrome. Identifiers: Orphanet 50944, MedGen C1857069, MONDO:0009145, OMIM 224750.

Allele frequency attached by ClinVar (database versions not stated): ExAC 0.00002.
gnomAD v4.1: 16 of 1,600,306 alleles (0.001%); highest among the groups gnomAD compares: Non-Finnish European, 0.0012%; no homozygotes.

Submissions (2):

Natera, Inc.
Classification: Likely pathogenic for Schopf-Schulz-Passarge syndrome. Last evaluated: 2024-08-30. Review status: criteria provided, single submitter. Criteria: Natera Variant Classification Schema (03/2026). Collection method: clinical testing. Allele origin: germline.
Comment: The c.37C>T variant in WNT10A is a nonsense variant predicted to introduce a stop codon at amino acid 13. This variant is expected to result in nonsense mediated decay, truncation, or a dysfunctional protein product. This variant is rare in the general population with a frequency below the threshold expected for the associated phenotype(s). Given the available evidence, this variant is classified as Likely Pathogenic.

Labcorp Genetics (formerly Invitae), Labcorp
Classification: Pathogenic for Tooth agenesis, selective, 4; Odonto-onycho-dermal dysplasia. Last evaluated: 2023-03-12. Review status: criteria provided, single submitter. Criteria: Invitae Variant Classification Sherloc (09022015). Collection method: clinical testing. Allele origin: germline.
Comment: This variant has not been reported in the literature in individuals affected with WNT10A-related conditions. The frequency data for this variant in the population databases is considered unreliable, as metrics indicate poor data quality at this position in the gnomAD database. This sequence change creates a premature translational stop signal (p.Arg13*) in the WNT10A gene. It is expected to result in an absent or disrupted protein product. Loss-of-function variants in WNT10A are known to be pathogenic (PMID: 17847007, 22581971, 25629078). ClinVar contains an entry for this variant (Variation ID: 1916936). For these reasons, this variant has been classified as Pathogenic.

Literature cited by the submitters: PubMed 17847007 (cited by Labcorp Genetics (formerly Invitae), Labcorp); PubMed 22581971 (cited by Labcorp Genetics (formerly Invitae), Labcorp); PubMed 25629078 (cited by Labcorp Genetics (formerly Invitae), Labcorp).

NM_025216.3(WNT10A):c.37C>T (p.Arg13Ter)

Gene: WNT10A (Wnt family member 10A; plus strand). Cytogenetic location: 2q35.
Variant type: single nucleotide variant.
Coding change: c.37C>T on transcript NM_025216.3 (MANE Select); coding-DNA position 37, C replaced by T.
Protein change: p.Arg13Ter; replaces arginine 13 with a stop codon.
Molecular consequence: nonsense.
Genome position (GRCh38, 1-based): chr2:218,881,032, C>T. VCF-style: chr2-218881032-C-T. GRCh37 (hg19) VCF-style: chr2-219745754-C-T.
Other names: c.37C>T (NM_025216.2); short protein forms R13*.
Identifiers: ClinVar variation 1916936 (VCV001916936.6), dbSNP rs756946393, ClinGen allele CA2113807.